The following is an entry in ClinVar:

ClinVar aggregate classification (germline): Uncertain significance (1 of 4 stars; one submission).

Conditions:
Gnathodiaphyseal dysplasia (GDD). Also called: GNATHODIAPHYSEAL SCLEROSIS; OSTEOGENESIS IMPERFECTA WITH UNUSUAL SKELETAL LESIONS. Identifiers: Orphanet 53697, MedGen C1833736, MONDO:0008151, OMIM 166260.
Autosomal recessive limb-girdle muscular dystrophy type 2L (LGMDR12). Also called: Limb-girdle muscular dystrophy, type 2L; MUSCULAR DYSTROPHY, LIMB-GIRDLE, AUTOSOMAL RECESSIVE 12; Limb-Girdle Muscular Dystrophy R12 Anoctamin-5-Related (LGMD-R12). Identifiers: Orphanet 206549, MedGen C1969785, MONDO:0012652, OMIM 611307.

Submission:

Labcorp Genetics (formerly Invitae), Labcorp
Classification: Uncertain significance for Autosomal recessive limb-girdle muscular dystrophy type 2L; Gnathodiaphyseal dysplasia. Last evaluated: 2025-03-07. Review status: criteria provided, single submitter. Criteria: Invitae Variant Classification Sherloc (09022015). Collection method: clinical testing. Allele origin: germline.
Comment: This sequence change replaces aspartic acid, which is acidic and polar, with glutamic acid, which is acidic and polar, at codon 93 of the ANO5 protein (p.Asp93Glu). This variant is not present in population databases (gnomAD no frequency). This missense change has been observed in individual(s) with limb-girdle muscular dystrophy (PMID: 25891276). Invitae Evidence Modeling of protein sequence and biophysical properties (such as structural, functional, and spatial information, amino acid conservation, physicochemical variation, residue mobility, and thermodynamic stability) indicates that this missense variant is not expected to disrupt ANO5 protein function with a negative predictive value of 80%. In summary, the available evidence is currently insufficient to determine the role of this variant in disease. Therefore, it has been classified as a Variant of Uncertain Significance.

Literature cited by the submitters: PubMed 25891276.

NM_213599.3(ANO5):c.279C>G (p.Asp93Glu)

Gene: ANO5 (anoctamin 5; plus strand). Cytogenetic location: 11p14.3.
Variant type: single nucleotide variant.
Coding change: c.279C>G on transcript NM_213599.3 (MANE Select); coding-DNA position 279, C replaced by G.
Protein change: p.Asp93Glu; replaces aspartic acid 93 with glutamic acid.
Molecular consequence: missense variant.
Genome position (GRCh38, 1-based): chr11:22,221,195, C>G. VCF-style: chr11-22221195-C-G. GRCh37 (hg19) VCF-style: chr11-22242741-C-G.
Other names: c.234C>G, p.Asp78Glu (NM_001441299.1, NM_001441301.1, NM_001410964.1); c.237C>G, p.Asp79Glu (NM_001441300.1, NM_001410963.1, NM_001441298.1); c.186C>G, p.Asp62Glu (NM_001441302.1, NM_001441296.1); c.276C>G, p.Asp92Glu (NM_001142649.2); c.201C>G, p.Asp67Glu (NM_001441294.1); c.198C>G, p.Asp66Glu (NM_001441295.1); c.159C>G, p.Asp53Glu (NM_001441297.1); short protein forms D53E, D62E, D66E, D67E, D92E, D93E, D78E, D79E.
Identifiers: ClinVar variation 4783715 (VCV004783715.1).
Genomic context (GRCh38, chr11:22,221,195, plus strand): 5'-CCGAGATGGGATTAGGCAAATTGATTTTGTGCTTTCCTACGTTGATGATGTAAAGAAAGA[C>G]GCAGAGTTAAAGGCGGTAAGTGCATTATAACAGAAGTGGGAATAATAAAAAGAAGCACAT-3'
Protein context (NP_998764.1, residues 83-103): VLSYVDDVKK[Asp93Glu]AELKAERRKE